The following is an entry in ClinVar:

NM_002645.4(PIK3C2A):c.4059C>T (p.Tyr1353=)

Gene: PIK3C2A (phosphatidylinositol-4-phosphate 3-kinase catalytic subunit type 2 alpha; minus strand). Cytogenetic location: 11p15.1.
Variant type: single nucleotide variant.
Coding change: c.4059C>T on transcript NM_002645.4 (MANE Select); coding-DNA position 4059, C replaced by T.
Protein change: p.Tyr1353=; no amino-acid change (tyrosine 1353 retained).
Molecular consequence: synonymous variant.
Genome position (GRCh38, 1-based): chr11:17,099,919, G>A on the plus strand (C>T on the coding strand, the complement: PIK3C2A is on the minus strand). VCF-style: chr11-17099919-G-A. GRCh37 (hg19) VCF-style: chr11-17121466-G-A.
Other names: c.4059C>T (NM_001321378.1); c.4059C>T, p.Tyr1353= (NM_001321378.2); c.2919C>T, p.Tyr973= (NM_001321380.2); c.3891C>T, p.Tyr1297= (NM_001386870.1).
Identifiers: ClinVar variation 2085369 (VCV002085369.6), dbSNP rs369525742, ClinGen allele CA5900616.

ClinVar aggregate classification (germline): Benign. Review status: criteria provided, single submitter (1 of 4 stars). 2 submissions from 2 submitters: Benign (1). 1 of the submissions does not count toward it. Last evaluated 2026-01-24.

Conditions:
PIK3C2A-related disorder. Also called: PIK3C2A-related condition.

Allele frequency attached by ClinVar (database versions not stated): TOPMed 0.00009; gnomAD 0.00048; gnomAD exomes 0.00070; ExAC 0.00154; 1000 Genomes Project 30x 0.00234; 1000 Genomes Project 0.00240.
gnomAD v4.1: 1,079 of 1,598,386 alleles (0.068%); highest among the groups gnomAD compares: South Asian, 1.1%; 15 homozygotes.

Submissions (2):

Labcorp Genetics (formerly Invitae), Labcorp
Classification: Benign. Last evaluated: 2026-01-24. Review status: criteria provided, single submitter. Criteria: Invitae Variant Classification Sherloc (09022015). Collection method: clinical testing. Allele origin: germline.

PreventionGenetics, part of Exact Sciences
Classification: Benign for PIK3C2A-related condition. Last evaluated: 2020-01-23. Review status: no assertion criteria provided. Collection method: clinical testing. Allele origin: germline. Not counted in ClinVar's aggregate classification.
Comment: This variant is classified as benign based on ACMG/AMP sequence variant interpretation guidelines (Richards et al. 2015 PMID: 25741868, with internal and published modifications).